The following is an entry in ClinVar:

ClinVar aggregate classification (germline): Uncertain significance. Review status: criteria provided, multiple submitters, no conflicts (2 of 4 stars). 2 submissions from 2 submitters: Uncertain significance (2). Last evaluated 2023-10-15.

Conditions:
Charcot-Marie-Tooth disease axonal type 2C (HMSN2C). Also called: CHARCOT-MARIE-TOOTH DISEASE, AXONAL, AUTOSOMAL DOMINANT, TYPE 2C; Charcot-Marie-Tooth Neuropathy Type 2C; Charcot-Marie-Tooth Disease Type 2, TRPV4-Related (CMT2C). Identifiers: Orphanet 99937, MedGen C1853710, MONDO:0011633, OMIM 606071.

Allele frequency attached by ClinVar (database versions not stated): TOPMed below 0.00001; gnomAD 0.00001.
gnomAD v4.1: 1 of 1,613,652 alleles (0.000062%); highest among the groups gnomAD compares: Non-Finnish European, 0.000085%; no homozygotes.

Submissions (2):

Labcorp Genetics (formerly Invitae), Labcorp
Classification: Uncertain significance for Charcot-Marie-Tooth disease axonal type 2C. Last evaluated: 2023-10-15. Review status: criteria provided, single submitter. Criteria: Invitae Variant Classification Sherloc (09022015). Collection method: clinical testing. Allele origin: germline.
Comment: This sequence change affects an acceptor splice site in intron 13 of the TRPV4 gene. It is expected to disrupt RNA splicing. Variants that disrupt the donor or acceptor splice site typically lead to a loss of protein function (PMID: 16199547), however the current clinical and genetic evidence is not sufficient to establish whether loss-of-function variants in TRPV4 cause disease. This variant is not present in population databases (gnomAD no frequency). This variant has not been reported in the literature in individuals affected with TRPV4-related conditions. ClinVar contains an entry for this variant (Variation ID: 1520006). Algorithms developed to predict the effect of sequence changes on RNA splicing suggest that this variant may disrupt the consensus splice site. In summary, the available evidence is currently insufficient to determine the role of this variant in disease. Therefore, it has been classified as a Variant of Uncertain Significance.

GeneDx
Classification: Uncertain significance. Last evaluated: 2022-11-16. Review status: criteria provided, single submitter. Criteria: GeneDx Variant Classification Process June 2021. Collection method: clinical testing. Allele origin: germline. Affected: yes.
Comment: Not observed at significant frequency in large population cohorts (gnomAD); Canonical splice site variant in a gene or region of a gene for which loss of function is not a well-established mechanism of disease; Has not been previously published as pathogenic or benign to our knowledge

Literature cited by the submitters: PubMed 16199547 (cited by Labcorp Genetics (formerly Invitae), Labcorp).

NM_021625.5(TRPV4):c.2209-1G>A

Gene: TRPV4 (transient receptor potential cation channel subfamily V member 4; minus strand). Cytogenetic location: 12q24.11.
Variant type: single nucleotide variant.
Coding change: c.2209-1G>A on transcript NM_021625.5 (MANE Select); the canonical splice acceptor site of the intron before coding-DNA position 2209, G replaced by A.
Molecular consequence: splice acceptor variant.
Genome position (GRCh38, 1-based): chr12:109,786,838, C>T on the plus strand (G>A on the coding strand, the complement: TRPV4 is on the minus strand). VCF-style: chr12-109786838-C-T. GRCh37 (hg19) VCF-style: chr12-110224643-C-T.
Other names: c.1888-1G>A (NM_001177433.1); c.2068-1G>A (NM_001177428.1); c.2029-1G>A (NM_147204.2); c.2107-1G>A (NM_001177431.1).
Identifiers: ClinVar variation 1520006 (VCV001520006.7), dbSNP rs1262326007, ClinGen allele CA386649678.